The following is an entry in ClinVar:

ClinVar aggregate classification (germline): Uncertain significance. Review status: criteria provided, multiple submitters, no conflicts (2 of 4 stars). 2 submissions from 2 submitters: Uncertain significance (2). Last evaluated 2025-04-07.

Conditions:
Schimke immuno-osseous dysplasia (SIOD). Also called: Schimke Immunoosseous Dysplasia. Identifiers: Orphanet 1830, MedGen C0877024, MONDO:0009458, OMIM 242900.
Inborn genetic diseases. Identifiers: MedGen C0950123, MeSH D030342.

Allele frequency attached by ClinVar (database versions not stated): TOPMed 0.00001.
gnomAD v4.1: 1 of 1,608,746 alleles (0.000062%); no homozygotes.

Submissions (2):

Ambry Genetics
Classification: Uncertain significance for Inborn genetic diseases. Last evaluated: 2025-04-07. Review status: criteria provided, single submitter. Criteria: Ambry Variant Classification Scheme 2023. Collection method: clinical testing. Allele origin: germline.

Labcorp Genetics (formerly Invitae), Labcorp
Classification: Uncertain significance for Schimke immuno-osseous dysplasia. Last evaluated: 2022-05-05. Review status: criteria provided, single submitter. Criteria: Invitae Variant Classification Sherloc (09022015). Collection method: clinical testing. Allele origin: germline.
Comment: This sequence change replaces aspartic acid, which is acidic and polar, with glutamic acid, which is acidic and polar, at codon 719 of the SMARCAL1 protein (p.Asp719Glu). This variant is present in population databases (no rsID available, gnomAD no frequency). This variant has not been reported in the literature in individuals affected with SMARCAL1-related conditions. Algorithms developed to predict the effect of missense changes on protein structure and function (SIFT, PolyPhen-2, Align-GVGD) all suggest that this variant is likely to be tolerated. In summary, the available evidence is currently insufficient to determine the role of this variant in disease. Therefore, it has been classified as a Variant of Uncertain Significance.

NM_014140.4(SMARCAL1):c.2157C>G (p.Asp719Glu)

Gene: SMARCAL1 (SNF2 related chromatin remodeling annealing helicase 1; plus strand). Cytogenetic location: 2q35.
Variant type: single nucleotide variant.
Coding change: c.2157C>G on transcript NM_014140.4 (MANE Select); coding-DNA position 2157, C replaced by G.
Protein change: p.Asp719Glu; replaces aspartic acid 719 with glutamic acid.
Molecular consequence: missense variant.
Genome position (GRCh38, 1-based): chr2:216,467,959, C>G. VCF-style: chr2-216467959-C-G. GRCh37 (hg19) VCF-style: chr2-217332682-C-G.
Other names: c.2157C>G, p.Asp719Glu (NM_001127207.2); short protein forms D719E.
Identifiers: ClinVar variation 1952795 (VCV001952795.3), dbSNP rs1434893237, ClinGen allele CA350503116.